The following is an entry in ClinVar:

NM_031372.4(HNRNPDL):c.444-10_444-9del

Gene: HNRNPDL (heterogeneous nuclear ribonucleoprotein D like; minus strand). Cytogenetic location: 4q21.22.
Variant type: Deletion.
Coding change: c.444-10_444-9del on transcript NM_031372.4 (MANE Select); 10 bases into the intron before coding-DNA position 444 through 9 bases into the intron before coding-DNA position 444, 2 bases deleted (TT; older notation c.444-10_444-9delTT).
Molecular consequence: intron variant.
Genome position (GRCh38, 1-based): chr4:82,428,455-82,428,456, AA deleted on the plus strand (TT on the coding strand, the reverse complement: HNRNPDL is on the minus strand); deleting any 2 consecutive bases within chr4:82,428,455-82,428,458 gives the same sequence; the c. name uses the placement nearest the transcript's 3' end. VCF-style (leftmost placement, unchanged base first): chr4-82428454-TAA-T. GRCh37 (hg19) VCF-style: chr4-83349607-TAA-T.
Other names: c.444-10_444-9del (NM_001207000.1).
Identifiers: ClinVar variation 1059508 (VCV001059508.9), dbSNP rs751971549, ClinGen allele CA2984959.

ClinVar aggregate classification (germline): Uncertain significance (1 of 4 stars; one submission).

Conditions:
Autosomal dominant limb-girdle muscular dystrophy type 1G (LGMDD3). Also called: MUSCULAR DYSTROPHY, LIMB-GIRDLE, AUTOSOMAL DOMINANT 3; Limb-girdle muscular dystrophy, type 1G. Identifiers: Orphanet 55596, MedGen C1836765, MONDO:0012193, OMIM 609115.

Submission:

Labcorp Genetics (formerly Invitae), Labcorp
Classification: Uncertain significance for Autosomal dominant limb-girdle muscular dystrophy type 1G. Last evaluated: 2025-03-07. Review status: criteria provided, single submitter. Criteria: Invitae Variant Classification Sherloc (09022015). Collection method: clinical testing. Allele origin: germline.
Comment: This sequence change falls in intron 1 of the HNRNPDL gene. It does not directly change the encoded amino acid sequence of the HNRNPDL protein. This variant is present in population databases (rs751971549, gnomAD 0.007%). This variant has not been reported in the literature in individuals affected with HNRNPDL-related conditions. ClinVar contains an entry for this variant (Variation ID: 1059508). Algorithms developed to predict the effect of sequence changes on RNA splicing suggest that this variant may disrupt the consensus splice site. In summary, the available evidence is currently insufficient to determine the role of this variant in disease. Therefore, it has been classified as a Variant of Uncertain Significance.